The following is an entry in ClinVar:

ClinVar aggregate classification (germline): Pathogenic (1 of 4 stars; one submission).

Conditions:
Primary ciliary dyskinesia 3. Identifiers: Orphanet 244, MedGen C1837618, MONDO:0012085, OMIM 608644.

Submission:

Myriad Genetics, Inc.
Classification: Pathogenic for Primary ciliary dyskinesia 3. Last evaluated: 2025-01-03. Review status: criteria provided, single submitter. Criteria: Myriad Autosomal Dominant, Autosomal Recessive and X-Linked Classification Criteria (2023). Collection method: clinical testing. Allele origin: unknown.
Comment: NM_001369.2(DNAH5):c.7898delA(E2633Gfs*20) is expected to be pathogenic in the context of primary ciliary dyskinesia, DNAH5-related. This variant is predicted to lead to an abnormal or absent protein product due to the creation of a premature termination codon in DNAH5, a gene where loss-of-function variants are known to be pathogenic. Please note: this variant was assessed in the context of healthy population screening.

NM_001369.3(DNAH5):c.7898del (p.Glu2633fs)

Gene: DNAH5 (dynein axonemal heavy chain 5; minus strand). Cytogenetic location: 5p15.2.
Variant type: Deletion.
Coding change: c.7898del on transcript NM_001369.3 (MANE Select); coding-DNA position 7898, one base deleted (A; older notation c.7898delA).
Protein change: p.Glu2633fs; shifts the reading frame from glutamic acid 2633.
Molecular consequence: frameshift variant.
Genome position (GRCh38, 1-based): chr5:13,794,048, T deleted on the plus strand (A on the coding strand, the reverse complement: DNAH5 is on the minus strand). VCF-style (leftmost placement, unchanged base first): chr5-13794047-CT-C. GRCh37 (hg19) VCF-style: chr5-13794156-CT-C.
Other names: short protein forms E2633fs.
Identifiers: ClinVar variation 5013924 (VCV005013924.1).